The following is an entry in ClinVar:

NM_001170700.3(DTHD1):c.2471C>T (p.Ser824Leu)

Gene: DTHD1 (death domain containing 1; plus strand). Cytogenetic location: 4p14.
Variant type: single nucleotide variant.
Coding change: c.2471C>T on transcript NM_001170700.3 (MANE Select); coding-DNA position 2471, C replaced by T.
Protein change: p.Ser824Leu; replaces serine 824 with leucine.
Molecular consequence: missense variant. On other transcripts: nonsense (1), non-coding transcript variant (2).
Genome position (GRCh38, 1-based): chr4:36,343,574, C>T. VCF-style: chr4-36343574-C-T. GRCh37 (hg19) VCF-style: chr4-36345196-C-T.
Other names: c.1601C>T, p.Ser534Leu (NM_001136536.5); c.1480C>T, p.Gln494Ter (NM_001378435.1); short protein forms Q494*, S824L, S534L.
Identifiers: ClinVar variation 1475125 (VCV001475125.6), dbSNP rs1224621928, ClinGen allele CA356682172.

ClinVar aggregate classification (germline): Uncertain significance (1 of 4 stars; one submission).

Allele frequency attached by ClinVar (database versions not stated): TOPMed 0.00001; gnomAD 0.00001; gnomAD exomes 0.00001.
gnomAD v4.1: 18 of 1,551,540 alleles (0.0012%); highest among the groups gnomAD compares: East Asian, 0.0024%; no homozygotes.

Submission:

Labcorp Genetics (formerly Invitae), Labcorp
Classification: Uncertain significance. Last evaluated: 2024-07-31. Review status: criteria provided, single submitter. Criteria: Invitae Variant Classification Sherloc (09022015). Collection method: clinical testing. Allele origin: germline.
Comment: This sequence change replaces serine, which is neutral and polar, with leucine, which is neutral and non-polar, at codon 534 of the DTHD1 protein (p.Ser534Leu). This variant is present in population databases (no rsID available, gnomAD 0.002%). This variant has not been reported in the literature in individuals affected with DTHD1-related conditions. ClinVar contains an entry for this variant (Variation ID: 1475125). An algorithm developed to predict the effect of missense changes on protein structure and function (PolyPhen-2) suggests that this variant is likely to be tolerated. Algorithms developed to predict the effect of sequence changes on RNA splicing suggest that this variant may disrupt the consensus splice site. In summary, the available evidence is currently insufficient to determine the role of this variant in disease. Therefore, it has been classified as a Variant of Uncertain Significance.